The following is an entry in ClinVar:

NM_014694.4(ADAMTSL2):c.1361C>T (p.Ser454Leu)

Gene: ADAMTSL2 (ADAMTS like 2; plus strand). Cytogenetic location: 9q34.2.
Variant type: single nucleotide variant.
Coding change: c.1361C>T on transcript NM_014694.4 (MANE Select); coding-DNA position 1361, C replaced by T.
Protein change: p.Ser454Leu; replaces serine 454 with leucine.
Molecular consequence: missense variant.
Genome position (GRCh38, 1-based): chr9:133,555,642, C>T. VCF-style: chr9-133555642-C-T. GRCh37 (hg19) VCF-style: chr9-136420764-C-T.
Other names: c.1361C>T, p.Ser454Leu (NM_001145320.2); c.1361C>T (NM_014694.3); short protein forms S454L.
Identifiers: ClinVar variation 594179 (VCV000594179.8), dbSNP rs1016206418, ClinGen allele CA200972976.

ClinVar aggregate classification (germline): Uncertain significance. Review status: criteria provided, multiple submitters, no conflicts (2 of 4 stars). 3 submissions from 3 submitters: Uncertain significance (3). Last evaluated 2023-09-21.

Conditions:
ADAMTSL2-related disorder. Also called: ADAMTSL2-related condition.
Inborn genetic diseases. Identifiers: MedGen C0950123, MeSH D030342.

Allele frequency attached by ClinVar (database versions not stated): TOPMed below 0.00001; gnomAD 0.00001; gnomAD exomes 0.00001.
gnomAD v4.1: 20 of 1,613,578 alleles (0.0012%); highest among the groups gnomAD compares: South Asian, 0.011%; no homozygotes.

Submissions (3):

PreventionGenetics, part of Exact Sciences
Classification: Uncertain significance for ADAMTSL2-related condition. Last evaluated: 2023-09-21. Review status: criteria provided, single submitter. Criteria: ACMG Guidelines, 2015. Collection method: clinical testing. Allele origin: germline.
Comment: The ADAMTSL2 c.1361C>T variant is predicted to result in the amino acid substitution p.Ser454Leu. To our knowledge, this variant has not been reported in the literature or in a large population database, indicating this variant is rare. At this time, the clinical significance of this variant is uncertain due to the absence of conclusive functional and genetic evidence.

Ambry Genetics
Classification: Uncertain significance for Inborn genetic diseases. Last evaluated: 2022-03-29. Review status: criteria provided, single submitter. Criteria: Ambry Variant Classification Scheme 2023. Collection method: clinical testing. Allele origin: germline.

Eurofins Ntd Llc (ga)
Classification: Uncertain significance. Last evaluated: 2017-09-20. Review status: criteria provided, single submitter. Criteria: EGL Classification Definitions 2015. Collection method: clinical testing. Allele origin: germline. Observed: 1 variant allele, 1 heterozygote.